The following is an entry in ClinVar:

ClinVar aggregate classification (germline): Likely pathogenic (1 of 4 stars; one submission).

Submission:

Labcorp Genetics (formerly Invitae), Labcorp
Classification: Likely pathogenic. Last evaluated: 2023-07-28. Review status: criteria provided, single submitter. Criteria: Invitae Variant Classification Sherloc (09022015). Collection method: clinical testing. Allele origin: germline.
Comment: In summary, the currently available evidence indicates that the variant is pathogenic, but additional data are needed to prove that conclusively. Therefore, this variant has been classified as Likely Pathogenic. Algorithms developed to predict the effect of sequence changes on RNA splicing suggest that this variant may disrupt the consensus splice site. This variant has not been reported in the literature in individuals affected with SLC26A5-related conditions. This variant is not present in population databases (gnomAD no frequency). This sequence change affects a donor splice site in intron 18 of the SLC26A5 gene. It is expected to disrupt RNA splicing. Variants that disrupt the donor or acceptor splice site typically lead to a loss of protein function (PMID: 16199547), and loss-of-function variants in SLC26A5 are known to be pathogenic (PMID: 12239568, 24164807).

Literature cited by the submitters: PubMed 16199547; PubMed 12239568; PubMed 24164807.

NM_198999.3(SLC26A5):c.1986+1G>A

Gene: SLC26A5 (solute carrier family 26 member 5; minus strand). Cytogenetic location: 7q22.1.
Variant type: single nucleotide variant.
Coding change: c.1986+1G>A on transcript NM_198999.3 (MANE Select); the canonical splice donor site of the intron after coding-DNA position 1986, G replaced by A.
Molecular consequence: splice donor variant. On other transcripts: intron variant (2).
Genome position (GRCh38, 1-based): chr7:103,377,598, C>T on the plus strand (G>A on the coding strand, the complement: SLC26A5 is on the minus strand). VCF-style: chr7-103377598-C-T. GRCh37 (hg19) VCF-style: chr7-103018045-C-T.
Other names: c.971+20334G>A (NM_206885.3); c.1890+1G>A (NM_001321787.2, NM_001167962.2); c.1514+11410G>A (NM_206884.3); c.1986+1G>A (NM_206883.3).
Identifiers: ClinVar variation 2747819 (VCV002747819.3), dbSNP rs2485154768, ClinGen allele CA368750864.